The following is an entry in ClinVar:

ClinVar aggregate classification (germline): Uncertain significance. Review status: criteria provided, multiple submitters, no conflicts (2 of 4 stars). 2 submissions from 2 submitters: Uncertain significance (2). Last evaluated 2025-04-28.

Conditions:
Inborn genetic diseases. Identifiers: MedGen C0950123, MeSH D030342.
Congenital brain dysgenesis due to glutamine synthetase deficiency (GLND). Also called: GLUTAMINE SYNTHASE DEFICIENCY, CONGENITAL SYSTEMIC. Identifiers: Orphanet 71278, MedGen C1864910, MONDO:0012393, OMIM 610015.

Submissions (2):

Ambry Genetics
Classification: Uncertain significance for Inborn genetic diseases. Last evaluated: 2025-04-28. Review status: criteria provided, single submitter. Criteria: Ambry Variant Classification Scheme 2023. Collection method: clinical testing. Allele origin: germline.

Labcorp Genetics (formerly Invitae), Labcorp
Classification: Uncertain significance for Congenital brain dysgenesis due to glutamine synthetase deficiency. Last evaluated: 2025-03-18. Review status: criteria provided, single submitter. Criteria: Invitae Variant Classification Sherloc (09022015). Collection method: clinical testing. Allele origin: germline.
Comment: This sequence change replaces glutamic acid, which is acidic and polar, with glycine, which is neutral and non-polar, at codon 332 of the GLUL protein (p.Glu332Gly). This variant is present in population databases (rs757417078, gnomAD 0.02%). This variant has not been reported in the literature in individuals affected with GLUL-related conditions. Invitae Evidence Modeling of protein sequence and biophysical properties (such as structural, functional, and spatial information, amino acid conservation, physicochemical variation, residue mobility, and thermodynamic stability) indicates that this missense variant is not expected to disrupt GLUL protein function with a negative predictive value of 80%. In summary, the available evidence is currently insufficient to determine the role of this variant in disease. Therefore, it has been classified as a Variant of Uncertain Significance.

NM_001033044.4(GLUL):c.995A>G (p.Glu332Gly)

Gene: GLUL (glutamate-ammonia ligase; minus strand). Cytogenetic location: 1q25.3.
Variant type: single nucleotide variant.
Coding change: c.995A>G on transcript NM_001033044.4 (MANE Select); coding-DNA position 995, A replaced by G.
Protein change: p.Glu332Gly; replaces glutamic acid 332 with glycine.
Molecular consequence: missense variant.
Genome position (GRCh38, 1-based): chr1:182,384,532, T>C on the plus strand (A>G on the coding strand, the complement: GLUL is on the minus strand). VCF-style: chr1-182384532-T-C. GRCh37 (hg19) VCF-style: chr1-182353667-T-C.
Other names: c.995A>G, p.Glu332Gly (NM_001033056.4, NM_002065.7); short protein forms E332G.
Identifiers: ClinVar variation 4030337 (VCV004030337.2).